The following is an entry in ClinVar:

NM_001430.5(EPAS1):c.391A>G (p.Ile131Val)

Gene: EPAS1 (endothelial PAS domain protein 1; plus strand). Cytogenetic location: 2p21.
Variant type: single nucleotide variant.
Coding change: c.391A>G on transcript NM_001430.5 (MANE Select); coding-DNA position 391, A replaced by G.
Protein change: p.Ile131Val; replaces isoleucine 131 with valine.
Molecular consequence: missense variant.
Genome position (GRCh38, 1-based): chr2:46,356,745, A>G. VCF-style: chr2-46356745-A-G. GRCh37 (hg19) VCF-style: chr2-46583884-A-G.
Other names: short protein forms I131V.
Identifiers: ClinVar variation 1736175 (VCV001736175.2), dbSNP rs200773236, ClinGen allele CA1644637.

ClinVar aggregate classification (germline): Uncertain significance (1 of 4 stars; one submission).

Conditions:
Inborn genetic diseases. Identifiers: MedGen C0950123, MeSH D030342.

Allele frequency attached by ClinVar (database versions not stated): gnomAD exomes 0.00001; ExAC 0.00007.
gnomAD v4.1: 18 of 1,613,904 alleles (0.0011%); highest among the groups gnomAD compares: Non-Finnish European, 0.00068%; no homozygotes.

Submission:

Ambry Genetics
Classification: Uncertain significance for Inborn genetic diseases. Last evaluated: 2022-02-13. Review status: criteria provided, single submitter. Criteria: Ambry Variant Classification Scheme 2023. Collection method: clinical testing. Allele origin: germline.
Comment: The p.I131V variant (also known as c.391A>G), located in coding exon 4 of the EPAS1 gene, results from an A to G substitution at nucleotide position 391. The isoleucine at codon 131 is replaced by valine, an amino acid with highly similar properties. This amino acid position is conserved. In addition, this alteration is predicted to be tolerated by in silico analysis. Since supporting evidence is limited at this time, the clinical significance of this alteration remains unclear.